The following is an entry in ClinVar:

ClinVar aggregate classification (germline): Uncertain significance. Review status: criteria provided, multiple submitters, no conflicts (2 of 4 stars). 2 submissions from 2 submitters: Uncertain significance (2). Last evaluated 2024-05-16.

Conditions:
Ataxia-telangiectasia syndrome (AT). Also called: Ataxia-telangiectasia, complementation group D; AT, COMPLEMENTATION GROUP C; ATAXIA-TELANGIECTASIA, COMPLEMENTATION GROUP A; ATAXIA-TELANGIECTASIA, FRESNO VARIANT; Ataxia-telangiectasia; Ataxia telangiectasia (A-T). Identifiers: Orphanet 100, MedGen C0004135, MONDO:0008840, OMIM 208900.

Submissions (2):

GeneDx
Classification: Uncertain significance. Last evaluated: 2024-05-16. Review status: criteria provided, single submitter. Criteria: GeneDx Variant Classification Process June 2021. Collection method: clinical testing. Allele origin: germline. Affected: yes.
Comment: Not observed at significant frequency in large population cohorts (gnomAD); In silico analysis supports that this missense variant has a deleterious effect on protein structure/function; Has not been previously published as pathogenic or benign to our knowledge; This variant is associated with the following publications: (PMID: 23532176)

Labcorp Genetics (formerly Invitae), Labcorp
Classification: Uncertain significance for Ataxia-telangiectasia syndrome. Last evaluated: 2020-02-27. Review status: criteria provided, single submitter. Criteria: Invitae Variant Classification Sherloc (09022015). Collection method: clinical testing. Allele origin: germline.
Comment: This sequence change replaces aspartic acid with alanine at codon 2795 of the ATM protein (p.Asp2795Ala). The aspartic acid residue is highly conserved and there is a moderate physicochemical difference between aspartic acid and alanine. This variant is not present in population databases (ExAC no frequency). This variant has not been reported in the literature in individuals with ATM-related conditions. Algorithms developed to predict the effect of missense changes on protein structure and function (SIFT, PolyPhen-2, Align-GVGD) all suggest that this variant is likely to be disruptive, but these predictions have not been confirmed by published functional studies and their clinical significance is uncertain. In summary, the available evidence is currently insufficient to determine the role of this variant in disease. Therefore, it has been classified as a Variant of Uncertain Significance.

NM_000051.4(ATM):c.8384A>C (p.Asp2795Ala)

Genes: ATM (ATM serine/threonine kinase; plus strand), C11orf65 (chromosome 11 open reading frame 65; minus strand). Cytogenetic location: 11q22.3.
Variant type: single nucleotide variant.
Coding change: c.8384A>C on transcript NM_000051.4 (MANE Select); coding-DNA position 8384, A replaced by C.
Protein change: p.Asp2795Ala; replaces aspartic acid 2795 with alanine.
Molecular consequence: missense variant. On other transcripts: intron variant (2).
Genome position (GRCh38, 1-based): chr11:108,343,337, A>C. VCF-style: chr11-108343337-A-C. GRCh37 (hg19) VCF-style: chr11-108214064-A-C.
Other names: c.8384A>C, p.Asp2795Ala (NM_001351834.2); c.641-34266T>G (NM_001330368.2); c.695-8045T>G (NM_001351110.2); short protein forms D2795A.
Identifiers: ClinVar variation 956279 (VCV000956279.11), dbSNP rs2087834639, ClinGen allele CA382516555.